The following is an entry in ClinVar:

NM_001350451.2(RBFOX3):c.49G>A (p.Gly17Ser)

Gene: RBFOX3 (RNA binding fox-1 homolog 3; minus strand). Cytogenetic location: 17q25.3.
Variant type: single nucleotide variant.
Coding change: c.49G>A on transcript NM_001350451.2 (MANE Select); coding-DNA position 49, G replaced by A.
Protein change: p.Gly17Ser; replaces glycine 17 with serine.
Molecular consequence: missense variant.
Genome position (GRCh38, 1-based): chr17:79,115,667, C>T on the plus strand (G>A on the coding strand, the complement: RBFOX3 is on the minus strand). VCF-style: chr17-79115667-C-T. GRCh37 (hg19) VCF-style: chr17-77111749-C-T.
Other names: c.49G>A, p.Gly17Ser (NM_001385840.1, NM_001385841.1, NM_001385842.1 and 43 more transcripts); short protein forms G17S.
Identifiers: ClinVar variation 2186568 (VCV002186568.4), dbSNP rs762990060, ClinGen allele CA8810355.

ClinVar aggregate classification (germline): Uncertain significance (1 of 4 stars; one submission).

Conditions:
Idiopathic generalized epilepsy. Also called: Generalised epilepsy; EIG. Identifiers: MedGen C0270850, MONDO:0005579, OMIM 600669.

Allele frequency attached by ClinVar (database versions not stated): gnomAD 0.00002; gnomAD exomes 0.00005.
gnomAD v4.1: 36 of 893,548 alleles (0.004%); highest among the groups gnomAD compares: South Asian, 0.031%; no homozygotes.

Submission:

Labcorp Genetics (formerly Invitae), Labcorp
Classification: Uncertain significance for Idiopathic generalized epilepsy. Last evaluated: 2023-10-03. Review status: criteria provided, single submitter. Criteria: Invitae Variant Classification Sherloc (09022015). Collection method: clinical testing. Allele origin: germline.
Comment: This sequence change replaces glycine, which is neutral and non-polar, with serine, which is neutral and polar, at codon 17 of the RBFOX3 protein (p.Gly17Ser). The frequency data for this variant in the population databases is considered unreliable, as metrics indicate poor data quality at this position in the gnomAD database. This variant has not been reported in the literature in individuals affected with RBFOX3-related conditions. ClinVar contains an entry for this variant (Variation ID: 2186568). Advanced modeling of protein sequence and biophysical properties (such as structural, functional, and spatial information, amino acid conservation, physicochemical variation, residue mobility, and thermodynamic stability) performed at Invitae indicates that this missense variant is not expected to disrupt RBFOX3 protein function. In summary, the available evidence is currently insufficient to determine the role of this variant in disease. Therefore, it has been classified as a Variant of Uncertain Significance.